The following is an entry in ClinVar:

ClinVar aggregate classification (germline): Uncertain significance (1 of 4 stars; one submission).

Conditions:
Polyglandular autoimmune syndrome, type 1 (APS1). Also called: AUTOIMMUNE POLYENDOCRINE SYNDROME, TYPE I, WITH OR WITHOUT REVERSIBLE METAPHYSEAL DYSPLASIA; APS I; Autoimmune polyendocrine syndrome type 1; Autoimmune polyendocrinopathy syndrome, type I; Autoimmune polyendocrinopathy syndrome , type I, with or without reversible metaphyseal dysplasia; Whitaker syndrome. Identifiers: Orphanet 3453, MedGen C0085859, MONDO:0009411, OMIM 240300.

gnomAD v4.1: 1 of 1,611,964 alleles (0.000062%); highest among the groups gnomAD compares: African/African-American, 0.0013%; no homozygotes.

Submission:

Labcorp Genetics (formerly Invitae), Labcorp
Classification: Uncertain significance for Polyglandular autoimmune syndrome, type 1. Last evaluated: 2024-11-03. Review status: criteria provided, single submitter. Criteria: Invitae Variant Classification Sherloc (09022015). Collection method: clinical testing. Allele origin: germline.
Comment: This sequence change replaces proline, which is neutral and non-polar, with alanine, which is neutral and non-polar, at codon 286 of the AIRE protein (p.Pro286Ala). This variant is not present in population databases (gnomAD no frequency). This variant has not been reported in the literature in individuals affected with AIRE-related conditions. Invitae Evidence Modeling of protein sequence and biophysical properties (such as structural, functional, and spatial information, amino acid conservation, physicochemical variation, residue mobility, and thermodynamic stability) indicates that this missense variant is not expected to disrupt AIRE protein function with a negative predictive value of 95%. In summary, the available evidence is currently insufficient to determine the role of this variant in disease. Therefore, it has been classified as a Variant of Uncertain Significance.

NM_000383.4(AIRE):c.856C>G (p.Pro286Ala)

Gene: AIRE (autoimmune regulator; plus strand). Cytogenetic location: 21q22.3.
Variant type: single nucleotide variant.
Coding change: c.856C>G on transcript NM_000383.4 (MANE Select); coding-DNA position 856, C replaced by G.
Protein change: p.Pro286Ala; replaces proline 286 with alanine.
Molecular consequence: missense variant.
Genome position (GRCh38, 1-based): chr21:44,290,045, C>G. VCF-style: chr21-44290045-C-G. GRCh37 (hg19) VCF-style: chr21-45709928-C-G.
Other names: short protein forms P286A.
Identifiers: ClinVar variation 3619686 (VCV003619686.2).
Genomic context (GRCh38, chr21:44,290,045, plus strand): 5'-CAGGGTGGAGGTGAGGCTAGGCTGGGCCAGCAGGGCAGCGTTCCCGCCCCTCTGGCCCTC[C>G]CCAGTGACCCCCAGCTCCACCAGGTAATGCCCTAGACCACAGGAGAGGCCCCTGTCTGCC-3'
Protein context (NP_000374.1, residues 276-296): QGSVPAPLAL[Pro286Ala]SDPQLHQKNE